The following is an entry in ClinVar:

NM_001130438.3(SPTAN1):c.7222G>A (p.Val2408Ile)

Gene: SPTAN1 (spectrin alpha, non-erythrocytic 1; plus strand). Cytogenetic location: 9q34.11.
Variant type: single nucleotide variant.
Coding change: c.7222G>A on transcript NM_001130438.3 (MANE Select); coding-DNA position 7222, G replaced by A.
Protein change: p.Val2408Ile; replaces valine 2408 with isoleucine.
Molecular consequence: missense variant.
Genome position (GRCh38, 1-based): chr9:128,632,869, G>A. VCF-style: chr9-128632869-G-A. GRCh37 (hg19) VCF-style: chr9-131395148-G-A.
Other names: c.7147G>A, p.Val2383Ile (NM_001195532.2); c.7285G>A, p.Val2429Ile (NM_001363759.2); c.7162G>A, p.Val2388Ile (NM_001363765.2); c.7207G>A, p.Val2403Ile (NM_003127.4); short protein forms V2408I, V2388I, V2429I, V2383I, V2403I.
Identifiers: ClinVar variation 380376 (VCV000380376.14), dbSNP rs1057520841, ClinGen allele CA16605624.

ClinVar aggregate classification (germline): Conflicting classifications of pathogenicity. Review status: criteria provided, conflicting classifications (1 of 4 stars). 3 submissions from 3 submitters: Uncertain significance (2); Likely benign (1). Last evaluated 2025-11-03.

Conditions:
Early-infantile DEE. Also called: Early infantile epileptic encephalopathy with suppression bursts; Ohtahara syndrome; Early infantile epileptic encephalopathy. Identifiers: Orphanet 1934, MedGen C0393706, MONDO:0800491.
Developmental and epileptic encephalopathy, 5 (DEE5). Identifiers: Orphanet 3451, MedGen C3150731, MONDO:0013277, OMIM 613477.

Allele frequency attached by ClinVar (database versions not stated): gnomAD exomes below 0.00001; TOPMed 0.00001; gnomAD 0.00003.
gnomAD v4.1: 5 of 1,614,032 alleles (0.00031%); highest among the groups gnomAD compares: Admixed American, 0.0017%; no homozygotes.

Submissions (3):

Labcorp Genetics (formerly Invitae), Labcorp
Classification: Uncertain significance for Early-infantile DEE. Last evaluated: 2025-11-03. Review status: criteria provided, single submitter. Criteria: Invitae Variant Classification Sherloc (09022015). Collection method: clinical testing. Allele origin: germline.
Comment: This sequence change replaces valine, which is neutral and non-polar, with isoleucine, which is neutral and non-polar, at codon 2408 of the SPTAN1 protein (p.Val2408Ile). This variant is present in population databases (no rsID available, gnomAD 0.003%). This variant has not been reported in the literature in individuals affected with SPTAN1-related conditions. ClinVar contains an entry for this variant (Variation ID: 380376). Invitae Evidence Modeling of protein sequence and biophysical properties (such as structural, functional, and spatial information, amino acid conservation, physicochemical variation, residue mobility, and thermodynamic stability) has been performed for this missense variant. However, the output from this modeling did not meet the statistical confidence thresholds required to predict the impact of this variant on SPTAN1 protein function. In summary, the available evidence is currently insufficient to determine the role of this variant in disease. Therefore, it has been classified as a Variant of Uncertain Significance.

Genome-Nilou Lab
Classification: Uncertain significance for Developmental and epileptic encephalopathy, 5. Last evaluated: 2021-07-15. Review status: criteria provided, single submitter. Criteria: ACMG Guidelines, 2015. Collection method: clinical testing. Allele origin: germline. Affected: no.

GeneDx
Classification: Likely benign. Last evaluated: 2015-09-17. Review status: criteria provided, single submitter. Criteria: GeneDx Variant Classification (06012015). Collection method: clinical testing. Allele origin: germline. Affected: yes.
Comment: This variant is considered likely benign or benign based on one or more of the following criteria: it is a conservative change, it occurs at a poorly conserved position in the protein, it is predicted to be benign by multiple in silico algorithms, and/or has population frequency not consistent with disease.